The following is an entry in ClinVar:

NM_001042492.3(NF1):c.1833del (p.Asn614fs)

Gene: NF1 (neurofibromin 1; plus strand). Cytogenetic location: 17q11.2.
Variant type: Deletion.
Coding change: c.1833del on transcript NM_001042492.3 (MANE Select); coding-DNA position 1833, one base deleted (T; older notation c.1833delT).
Protein change: p.Asn614fs; shifts the reading frame from asparagine 614.
Molecular consequence: frameshift variant.
Genome position (GRCh38, 1-based): chr17:31,223,555, T deleted; the last of 2 consecutive T bases (chr17:31,223,554-31,223,555); deleting either gives the same sequence. VCF-style (leftmost placement, unchanged base first): chr17-31223553-CT-C. GRCh37 (hg19) VCF-style: chr17-29550571-CT-C.
Other names: c.1833delT (NM_000267.3); c.1833del (NM_001042492.2); c.1833delT, p.Asn614Ilefs (NM_000267.4, NM_001042492.2); short protein forms N614fs.
Identifiers: ClinVar variation 2581760 (VCV002581760.5), dbSNP rs2508126744, ClinGen allele CA2582342153.

ClinVar aggregate classification (germline): Pathogenic/Likely pathogenic. Review status: criteria provided, multiple submitters, no conflicts (2 of 4 stars). 5 submissions from 5 submitters: Pathogenic (4); Likely pathogenic (1). Last evaluated 2026-04-01.

Conditions:
Neurofibromatosis, type 1 (NF1). Also called: Neurofibromatosis, type I; Peripheral type neurofibromatosis; VON RECKLINGHAUSEN DISEASE; NEUROFIBROMATOSIS, TYPE I, SOMATIC. Identifiers: Orphanet 636, MedGen C0027831, MONDO:0018975, OMIM 162200. Disease mechanism: loss of function.
Hereditary cancer-predisposing syndrome. Also called: Tumor predisposition; Hereditary neoplastic syndrome; Hereditary Cancer Syndrome; Neoplastic Syndromes, Hereditary. Identifiers: Orphanet 140162, MedGen C0027672, MeSH D009386, MONDO:0015356.
Cardiovascular phenotype. Identifiers: MedGen CN230736.

Submissions (5):

Department of Genetics, Sultan Qaboos University Hospital
Classification: Pathogenic for Neurofibromatosis, type 1. Last evaluated: 2026-04-01. Review status: criteria provided, single submitter. Criteria: ACMG Guidelines, 2015. Collection method: clinical testing. Allele origin: germline. Affected: yes. Observed: 1 variant allele.
Comment: PVS1,PM2,PP5_Very_Strong

Ambry Genetics
Classification: Pathogenic for Cardiovascular phenotype; Hereditary cancer-predisposing syndrome. Last evaluated: 2025-04-23. Review status: criteria provided, single submitter. Criteria: Ambry Variant Classification Scheme 2023. Collection method: clinical testing. Allele origin: germline.
Comment: The c.1833delT pathogenic mutation, located in coding exon 16 of the NF1 gene, results from a deletion of one nucleotide at nucleotide position 1833, causing a translational frameshift with a predicted alternate stop codon (p.N614Ifs*17). This variant was reported in individual(s) with features consistent with neurofibromatosis type 1 (Maruoka R et al. Genet Test Mol Biomarkers. 2014 Nov;18:722-35; Ambry internal data). This variant is considered to be rare based on population cohorts in the Genome Aggregation Database (gnomAD). In addition to the clinical data presented in the literature, this alteration is expected to result in loss of function by premature protein truncation or nonsense-mediated mRNA decay. As such, this alteration is interpreted as a disease-causing mutation.

Labcorp Genetics (formerly Invitae), Labcorp
Classification: Pathogenic for Neurofibromatosis, type 1. Last evaluated: 2024-04-09. Review status: criteria provided, single submitter. Criteria: Invitae Variant Classification Sherloc (09022015). Collection method: clinical testing. Allele origin: germline.
Comment: This sequence change creates a premature translational stop signal (p.Asn614Ilefs*17) in the NF1 gene. It is expected to result in an absent or disrupted protein product. Loss-of-function variants in NF1 are known to be pathogenic (PMID: 10712197, 23913538). This variant is not present in population databases (gnomAD no frequency). This premature translational stop signal has been observed in individual(s) with neurofibromatosis, type 1 (PMID: 25325900, 31776437). ClinVar contains an entry for this variant (Variation ID: 2581760). Algorithms developed to predict the effect of sequence changes on RNA splicing suggest that this variant may disrupt the consensus splice site. For these reasons, this variant has been classified as Pathogenic.

GeneDx
Classification: Pathogenic. Last evaluated: 2023-09-20. Review status: criteria provided, single submitter. Criteria: GeneDx Variant Classification Process June 2021. Collection method: clinical testing. Allele origin: germline. Affected: yes.
Comment: Frameshift variant predicted to result in protein truncation or nonsense mediated decay in a gene for which loss-of-function is a known mechanism of disease; Not observed at significant frequency in large population cohorts (gnomAD); Also known as c.1832delT; This variant is associated with the following publications: (PMID: 31776437, 25325900)

Neuberg Centre For Genomic Medicine, NCGM
Classification: Likely pathogenic for Neurofibromatosis, type 1. Last evaluated: 2023-06-22. Review status: criteria provided, single submitter. Criteria: ACMG Guidelines, 2015. Collection method: clinical testing. Allele origin: germline. Inheritance: Autosomal dominant inheritance. Affected: yes.
Comment: The frameshift variant c.1833del (p.Asn614IlefsTer17) in the NF1 gene has not been reported previously as a pathogenic variant nor as a benign variant, to our knowledge. The variant is absent in the gnomAD Exomes. This variant causes a frameshift starting with codon Asparagine 614, changes this amino acid to Isoleucine residue, and creates a premature Stop codon at position 17 of the new reading frame. This variant is predicted to cause loss of normal protein function through protein truncation. Loss of function variants has been previously reported to be disease causing (Sabbagh et al., 2013). For these reasons, this variant has been classified as Likely Pathogenic

Literature cited by the submitters: PubMed 25325900 (cited by Ambry Genetics and Labcorp Genetics (formerly Invitae), Labcorp); PubMed 10712197 (cited by Labcorp Genetics (formerly Invitae), Labcorp); PubMed 23913538 (cited by Labcorp Genetics (formerly Invitae), Labcorp); PubMed 31776437 (cited by Labcorp Genetics (formerly Invitae), Labcorp).